The following is an entry in ClinVar:

ClinVar aggregate classification (germline): Benign. Review status: criteria provided, multiple submitters, no conflicts (2 of 4 stars). 2 submissions from 2 submitters: Benign (2). Last evaluated 2025-07-14.

Conditions:
Diamond-Blackfan anemia. Also called: Blackfan Diamond syndrome; Aregenerative anemia chronic congenital; Red cell aplasia, pure hereditary; Congenital hypoplastic anemia; Aase syndrome. Identifiers: Orphanet 124, MedGen C1260899, MeSH D029503, MONDO:0015253, HP:0004810.
Diamond-Blackfan anemia 6 (DBA6). Also called: RPL5-Related Diamond-Blackfan Anemia. Identifiers: Orphanet 124, MedGen C2931850, MONDO:0012937, OMIM 612561.

Allele frequency attached by ClinVar (database versions not stated): gnomAD 0.00001 and 0.00005; 1000 Genomes Project 30x 0.00016; TOPMed 0.00001; gnomAD exomes 0.00005 and 0.00012; ExAC 0.00014; 1000 Genomes Project 0.00020.
gnomAD v4.1: 85 of 1,611,870 alleles (0.0053%); highest among the groups gnomAD compares: South Asian, 0.082%; 1 homozygote.

Submissions (2):

Labcorp Genetics (formerly Invitae), Labcorp
Classification: Benign for Diamond-Blackfan anemia. Last evaluated: 2025-07-14. Review status: criteria provided, single submitter. Criteria: Invitae Variant Classification Sherloc (09022015). Collection method: clinical testing. Allele origin: germline.

Illumina Laboratory Services, Illumina
Classification: Benign for Diamond-Blackfan anemia 6. Last evaluated: 2018-01-12. Review status: criteria provided, single submitter. Criteria: ICSL Variant Classification Criteria 13 December 2019. Collection method: clinical testing. Allele origin: germline.
Comment: This variant was observed in the ICSL laboratory as part of a predisposition screen in an ostensibly healthy population. It had not been previously curated by ICSL or reported in the Human Gene Mutation Database (HGMD: prior to June 1st, 2018), and was therefore a candidate for classification through an automated scoring system. Utilizing variant allele frequency, disease prevalence and penetrance estimates, and inheritance mode, an automated score was calculated to assess if this variant is too frequent to cause the disease. Based on the score and internal cut-off values, a variant classified as benign is not then subjected to further curation. The score for this variant resulted in a classification of benign for this disease.

NM_000969.5(RPL5):c.846A>G (p.Gln282=)

Genes: DIPK1A (divergent protein kinase domain 1A; minus strand), RPL5 (ribosomal protein L5; plus strand). Cytogenetic location: 1p22.1.
Variant type: single nucleotide variant.
Coding change: c.846A>G on transcript NM_000969.5 (MANE Select); coding-DNA position 846, A replaced by G.
Protein change: p.Gln282=; no amino-acid change (glutamine 282 retained).
Molecular consequence: synonymous variant. On other transcripts: non-coding transcript variant (1), intron variant (1).
Genome position (GRCh38, 1-based): chr1:92,841,817, A>G. VCF-style: chr1-92841817-A-G. GRCh37 (hg19) VCF-style: chr1-93307374-A-G.
Other names: c.474+5366T>C (NM_001252273.2).
Identifiers: ClinVar variation 298214 (VCV000298214.13), dbSNP rs376641112, ClinGen allele CA952646.